The following is an entry in ClinVar:

NM_000551.4(VHL):c.340+770T>A

Genes: VHL (von Hippel-Lindau tumor suppressor; plus strand), LOC107303340 (3p25 von Hippel-Lindau tumor suppressor, E3 ubiquitin protein ligase Alu-mediated recombination region; plus strand). Cytogenetic location: 3p25.3.
Variant type: single nucleotide variant.
Coding change: c.340+770T>A on transcript NM_000551.4 (MANE Select); 770 bases into the intron after coding-DNA position 340, T replaced by A.
Molecular consequence: intron variant. On other transcripts: missense variant (1).
Genome position (GRCh38, 1-based): chr3:10,142,957, T>A. VCF-style: chr3-10142957-T-A. GRCh37 (hg19) VCF-style: chr3-10184641-T-A.
Other names: c.535T>A, p.Ser179Thr (NM_001354723.2); c.340+770T>A (NM_198156.3); short protein forms S179T.
Identifiers: ClinVar variation 848432 (VCV000848432.8), dbSNP rs1346312258, ClinGen allele CA916081417.

ClinVar aggregate classification (germline): Uncertain significance (1 of 4 stars; one submission).

Conditions:
Chuvash polycythemia. Also called: POLYCYTHEMIA, VHL-DEPENDENT. Identifiers: Orphanet 238557, MedGen C1837915, MONDO:0009892, OMIM 263400.
Von Hippel-Lindau syndrome (VHLS). Also called: VHL syndrome; Von Hippel-Lindau; von Hippel–Lindau syndrome. Identifiers: Orphanet 892, MedGen C0019562, MONDO:0008667, OMIM 193300. Disease mechanism: loss of function.

Submission:

Labcorp Genetics (formerly Invitae), Labcorp
Classification: Uncertain significance for Von Hippel-Lindau syndrome; Chuvash polycythemia. Last evaluated: 2026-01-20. Review status: criteria provided, single submitter. Criteria: Invitae Variant Classification Sherloc (09022015). Collection method: clinical testing. Allele origin: germline.
Comment: This sequence change falls in intron 1 of the VHL gene. It is not expected to change the encoded amino acid sequence of the VHL protein. However, this sequence change falls within a cryptic exon in the VHL gene, known as exon E1’, which is naturally expressed at low levels in several human tissues (PMID: 29891534). This variant is not present in population databases (gnomAD no frequency). This variant has not been reported in the literature in individuals affected with VHL-related conditions. ClinVar contains an entry for this variant (Variation ID: 848432). Algorithms developed to predict the effect of sequence changes on RNA splicing suggest that this variant is not likely to affect RNA splicing. In summary, the available evidence is currently insufficient to determine the role of this variant in disease. Therefore, it has been classified as a Variant of Uncertain Significance.

Literature cited by the submitters: PubMed 29891534.